The following is an entry in ClinVar:

ClinVar aggregate classification (germline): Pathogenic (1 of 4 stars; one submission).

Submission:

Labcorp Genetics (formerly Invitae), Labcorp
Classification: Pathogenic. Last evaluated: 2021-09-20. Review status: criteria provided, single submitter. Criteria: Invitae Variant Classification Sherloc (09022015). Collection method: clinical testing. Allele origin: germline.
Comment: This sequence change creates a premature translational stop signal (p.Gln282*) in the LMX1B gene. It is expected to result in an absent or disrupted protein product. Loss-of-function variants in LMX1B are known to be pathogenic (PMID: 9590287, 15498463). The frequency data for this variant in the population databases is considered unreliable, as metrics indicate insufficient coverage at this position in the ExAC database. This variant has not been reported in the literature in individuals affected with LMX1B-related conditions. For these reasons, this variant has been classified as Pathogenic.

Literature cited by the submitters: PubMed 9590287; PubMed 15498463.

NM_001174147.2(LMX1B):c.844C>T (p.Gln282Ter)

Gene: LMX1B (LIM homeobox transcription factor 1 beta; plus strand). Cytogenetic location: 9q33.3.
Variant type: single nucleotide variant.
Coding change: c.844C>T on transcript NM_001174147.2 (MANE Select); coding-DNA position 844, C replaced by T.
Protein change: p.Gln282Ter; replaces glutamine 282 with a stop codon.
Molecular consequence: nonsense.
Genome position (GRCh38, 1-based): chr9:126,693,770, C>T. VCF-style: chr9-126693770-C-T. GRCh37 (hg19) VCF-style: chr9-129456049-C-T.
Other names: c.844C>T, p.Gln282Ter (NM_001174146.2, NM_002316.4); short protein forms Q282*.
Identifiers: ClinVar variation 1418142 (VCV001418142.6), dbSNP rs2118993320, ClinGen allele CA374914037.
Genomic context (GRCh38, chr9:126,693,770, plus strand): 5'-GGGGCAGCACCGGCCTGAACTGCGCTCTCCCTGCAGATGAAGAAGCTGGCGCGGCGGCAC[C>T]AGCAGCAGCAGGAGCAGCAGAACTCCCAGCGGCTGGGCCAGGGTGAGCCGGGGCCGGGGC-3'